The following is an entry in ClinVar:

ClinVar aggregate classification (germline): Uncertain significance (1 of 4 stars; one submission).

Conditions:
Schimke immuno-osseous dysplasia (SIOD). Also called: Schimke Immunoosseous Dysplasia. Identifiers: Orphanet 1830, MedGen C0877024, MONDO:0009458, OMIM 242900.

gnomAD v4.1: 2 of 1,614,082 alleles (0.00012%); highest among the groups gnomAD compares: East Asian, 0.0045%; no homozygotes.

Submission:

Juno Genomics, Hangzhou Juno Genomics, Inc
Classification: Uncertain significance for Schimke immuno-osseous dysplasia. Review status: criteria provided, single submitter. Criteria: ACMG Guidelines, 2015. Collection method: clinical testing. Allele origin: germline.
Comment: Absent from controls (or at extremely low frequency if recessive) in Genome Aggregation Database.;Multiple lines of computational evidence suggest no impact on gene or gene product.

NM_014140.4(SMARCAL1):c.2744C>G (p.Ser915Cys)

Gene: SMARCAL1 (SNF2 related chromatin remodeling annealing helicase 1; plus strand). Cytogenetic location: 2q35.
Variant type: single nucleotide variant.
Coding change: c.2744C>G on transcript NM_014140.4 (MANE Select); coding-DNA position 2744, C replaced by G.
Protein change: p.Ser915Cys; replaces serine 915 with cysteine.
Molecular consequence: missense variant.
Genome position (GRCh38, 1-based): chr2:216,482,856, C>G. VCF-style: chr2-216482856-C-G. GRCh37 (hg19) VCF-style: chr2-217347579-C-G.
Other names: c.2744C>G, p.Ser915Cys (NM_001127207.2); short protein forms S915C.
Identifiers: ClinVar variation 5019522 (VCV005019522.2).